The following is an entry in ClinVar:

NM_001367624.2(ZNF469):c.2161A>T (p.Ser721Cys)

Gene: ZNF469 (zinc finger protein 469; plus strand). Cytogenetic location: 16q24.2.
Variant type: single nucleotide variant.
Coding change: c.2161A>T on transcript NM_001367624.2 (MANE Select); coding-DNA position 2161, A replaced by T.
Protein change: p.Ser721Cys; replaces serine 721 with cysteine.
Molecular consequence: missense variant.
Genome position (GRCh38, 1-based): chr16:88,429,631, A>T. VCF-style: chr16-88429631-A-T. GRCh37 (hg19) VCF-style: chr16-88496039-A-T.
Other names: NM_001127464.1:c.2161A>T; short protein forms S721C.
Identifiers: ClinVar variation 1981041 (VCV001981041.4), dbSNP rs903375374, ClinGen allele CA286373399.

ClinVar aggregate classification (germline): Uncertain significance. Review status: criteria provided, multiple submitters, no conflicts (2 of 4 stars). 3 submissions from 3 submitters: Uncertain significance (3). Last evaluated 2025-05-14.

Conditions:
Cardiovascular phenotype. Identifiers: MedGen CN230736.

Allele frequency attached by ClinVar (database versions not stated): gnomAD 0.00001; TOPMed 0.00002.
gnomAD v4.1: 51 of 1,544,802 alleles (0.0033%); highest among the groups gnomAD compares: Non-Finnish European, 0.0044%; no homozygotes.

Submissions (3):

Women's Health and Genetics/Laboratory Corporation of America, LabCorp
Classification: Uncertain significance. Last evaluated: 2025-05-14. Review status: criteria provided, single submitter. Criteria: LabCorp Variant Classification Summary - May 2015. Collection method: clinical testing. Allele origin: germline.
Comment: Variant summary: ZNF469 c.2161A>T (p.Ser721Cys) results in a non-conservative amino acid change in the encoded protein sequence. Algorithms developed to predict the effect of missense changes on protein structure and function are either unavailable or do not agree on the potential impact of this missense change. The variant allele was found at a frequency of 3.3e-05 in 1537894 control chromosomes, predominantly at a frequency of 4.4e-05 within the Non-Finnish European subpopulation in the gnomAD database (v4.1 dataset). This frequency is not significantly higher than estimated for a pathogenic variant in ZNF469 causing Brittle cornea syndrome 1, allowing no conclusion about variant significance. To our knowledge, no occurrence of c.2161A>T in individuals affected with Brittle cornea syndrome 1 and no experimental evidence demonstrating its impact on protein function have been reported. ClinVar contains an entry for this variant (Variation ID: 1981041). Based on the evidence outlined above, the variant was classified as uncertain significance.

Ambry Genetics
Classification: Uncertain significance for Cardiovascular phenotype. Last evaluated: 2023-11-13. Review status: criteria provided, single submitter. Criteria: Ambry Variant Classification Scheme 2023. Collection method: clinical testing. Allele origin: germline.
Comment: The p.S721C variant (also known as c.2161A>T), located in coding exon 1 of the ZNF469 gene, results from an A to T substitution at nucleotide position 2161. The serine at codon 721 is replaced by cysteine, an amino acid with dissimilar properties. This amino acid position is conserved. In addition, this alteration is predicted to be tolerated by in silico analysis. Since supporting evidence is limited at this time, the clinical significance of this alteration remains unclear.

Labcorp Genetics (formerly Invitae), Labcorp
Classification: Uncertain significance. Last evaluated: 2022-03-26. Review status: criteria provided, single submitter. Criteria: Invitae Variant Classification Sherloc (09022015). Collection method: clinical testing. Allele origin: germline.
Comment: This sequence change replaces serine, which is neutral and polar, with cysteine, which is neutral and slightly polar, at codon 721 of the ZNF469 protein (p.Ser721Cys). The frequency data for this variant in the population databases is considered unreliable, as metrics indicate poor data quality at this position in the gnomAD database. This variant has not been reported in the literature in individuals affected with ZNF469-related conditions. Algorithms developed to predict the effect of missense changes on protein structure and function are either unavailable or do not agree on the potential impact of this missense change (SIFT: "Deleterious"; PolyPhen-2: "Probably Damaging"; Align-GVGD: "Class C0"). Algorithms developed to predict the effect of sequence changes on RNA splicing suggest that this variant may disrupt the consensus splice site. In summary, the available evidence is currently insufficient to determine the role of this variant in disease. Therefore, it has been classified as a Variant of Uncertain Significance.